The following is an entry in ClinVar:

NM_024741.3(ZNF408):c.994T>G (p.Phe332Val)

Gene: ZNF408 (zinc finger protein 408; plus strand). Cytogenetic location: 11p11.2.
Variant type: single nucleotide variant.
Coding change: c.994T>G on transcript NM_024741.3 (MANE Select); coding-DNA position 994, T replaced by G.
Protein change: p.Phe332Val; replaces phenylalanine 332 with valine.
Molecular consequence: missense variant.
Genome position (GRCh38, 1-based): chr11:46,704,694, T>G. VCF-style: chr11-46704694-T-G. GRCh37 (hg19) VCF-style: chr11-46726244-T-G.
Other names: c.970T>G, p.Phe324Val (NM_001184751.2); short protein forms F324V, F332V.
Identifiers: ClinVar variation 1015581 (VCV001015581.10), dbSNP rs1277199267, ClinGen allele CA380254616.

ClinVar aggregate classification (germline): Uncertain significance (1 of 4 stars; one submission).

Allele frequency attached by ClinVar (database versions not stated): gnomAD exomes below 0.00001; TOPMed below 0.00001.
gnomAD v4.1: 2 of 1,612,154 alleles (0.00012%); highest among the groups gnomAD compares: Non-Finnish European, 0.00017%; no homozygotes.

Submission:

Labcorp Genetics (formerly Invitae), Labcorp
Classification: Uncertain significance. Last evaluated: 2024-11-05. Review status: criteria provided, single submitter. Criteria: Invitae Variant Classification Sherloc (09022015). Collection method: clinical testing. Allele origin: germline.
Comment: This sequence change replaces phenylalanine, which is neutral and non-polar, with valine, which is neutral and non-polar, at codon 332 of the ZNF408 protein (p.Phe332Val). This variant is not present in population databases (gnomAD no frequency). This variant has not been reported in the literature in individuals affected with ZNF408-related conditions. ClinVar contains an entry for this variant (Variation ID: 1015581). An algorithm developed to predict the effect of missense changes on protein structure and function (PolyPhen-2) suggests that this variant is likely to be tolerated. In summary, the available evidence is currently insufficient to determine the role of this variant in disease. Therefore, it has been classified as a Variant of Uncertain Significance.